The following is an entry in ClinVar:

ClinVar aggregate classification (germline): Uncertain significance (1 of 4 stars; one submission).

Submission:

Labcorp Genetics (formerly Invitae), Labcorp
Classification: Uncertain significance. Last evaluated: 2025-09-25. Review status: criteria provided, single submitter. Criteria: Invitae Variant Classification Sherloc (09022015). Collection method: clinical testing. Allele origin: germline.
Comment: This sequence change replaces alanine, which is neutral and non-polar, with leucine, which is neutral and non-polar, at codon 214 of the ZBTB18 protein (p.Ala214Leu). Information on the frequency of this variant in the gnomAD database is not available, as this variant may be reported differently in the database. This variant has not been reported in the literature in individuals affected with ZBTB18-related conditions. ClinVar contains an entry for this variant (Variation ID: 2009978). An algorithm developed to predict the effect of missense changes on protein structure and function (PolyPhen-2) suggests that this variant is likely to be tolerated. In summary, the available evidence is currently insufficient to determine the role of this variant in disease. Therefore, it has been classified as a Variant of Uncertain Significance.

NM_205768.3(ZBTB18):c.640_641delinsCT (p.Ala214Leu)

Gene: ZBTB18 (zinc finger and BTB domain containing 18; plus strand). Cytogenetic location: 1q44.
Variant type: Indel.
Coding change: c.640_641delinsCT on transcript NM_205768.3 (MANE Select); coding-DNA positions 640 to 641, GC replaced by CT.
Protein change: p.Ala214Leu; replaces alanine 214 with leucine.
Molecular consequence: missense variant.
Genome position (GRCh38, 1-based): chr1:244,054,414-244,054,415, GC replaced by CT. VCF-style: chr1-244054414-GC-CT. GRCh37 (hg19) VCF-style: chr1-244217716-GC-CT.
Other names: c.613_614delinsCT, p.Ala205Leu (NM_001278196.2); c.613_614delGCinsCT, p.Ala205Leu (NM_006352.5); short protein forms A214L, A205L.
Identifiers: ClinVar variation 2009978 (VCV002009978.4), dbSNP rs2527557335, ClinGen allele CA2580063494.